The following is an entry in ClinVar:

NM_001164399.2(CCDC175):c.2306-2_2314AGA[2] (p.Lys772del)

Genes: CCDC175 (coiled-coil domain containing 175; minus strand), JKAMP (JNK1/MAPK8 associated membrane protein; plus strand). Cytogenetic location: 14q23.1.
Variant type: Microsatellite.
Coding change: c.2306-2_2314AGA[2] on transcript NM_001164399.2 (MANE Select).
Protein change: p.Lys772del; deletes lysine 772.
Molecular consequence: 3 prime UTR variant (on NM_016475.5).
Genome position: GRCh38 VCF-style: chr14-59505305-TTTC-T. GRCh37 (hg19) VCF-style: chr14-59972023-TTTC-T.
Other names: c.*1235TCT[2] (NM_001098625.3, NM_001284201.2, NM_001284202.2 and 2 more transcripts); c.*1452TCT[2] (NM_001284204.2); short protein forms K772del.
Identifiers: ClinVar variation 5038474 (VCV005038474.1).

ClinVar aggregate classification (germline): Benign (1 of 4 stars; one submission).

Submission:

CeGaT Center for Human Genetics Tuebingen
Classification: Benign. Last evaluated: 2026-08-01. Review status: criteria provided, single submitter. Criteria: CeGaT Center For Human Genetics Tuebingen Variant Classification Criteria Version 2. Collection method: clinical testing. Allele origin: germline. Affected: yes. Observed: 1 variant allele.
Comment: CCDC175: PM4:Supporting, BS1, BS2